The following is an entry in ClinVar:

NM_006009.4(TUBA1A):c.476T>C (p.Val159Ala)

Gene: TUBA1A (tubulin alpha 1a; minus strand). Cytogenetic location: 12q13.12.
Variant type: single nucleotide variant.
Coding change: c.476T>C on transcript NM_006009.4 (MANE Select); coding-DNA position 476, T replaced by C.
Protein change: p.Val159Ala; replaces valine 159 with alanine.
Molecular consequence: missense variant.
Genome position (GRCh38, 1-based): chr12:49,185,890, A>G on the plus strand (T>C on the coding strand, the complement: TUBA1A is on the minus strand). VCF-style: chr12-49185890-A-G. GRCh37 (hg19) VCF-style: chr12-49579673-A-G.
Other names: c.476T>C, p.Val159Ala (NM_001270399.2); c.371T>C, p.Val124Ala (NM_001270400.2); short protein forms V124A, V159A.
Identifiers: ClinVar variation 4082086 (VCV004082086.1).

ClinVar aggregate classification (germline): Likely pathogenic (1 of 4 stars; one submission).

Conditions:
Lissencephaly due to TUBA1A mutation (CDCBM16). Also called: Lissencephaly 3; CORTICAL DYSPLASIA, COMPLEX, WITH OTHER BRAIN MALFORMATIONS 16. Identifiers: Orphanet 171680, MedGen C4305153, MONDO:0012703, OMIM 611603.

Submission:

Institute of Human Genetics, University of Goettingen
Classification: Likely pathogenic for Lissencephaly due to TUBA1A mutation. Last evaluated: 2025-03-19. Review status: criteria provided, single submitter. Criteria: ACMG Guidelines, 2015. Collection method: clinical testing. Allele origin: de novo. Inheritance: Autosomal dominant inheritance. Affected: yes. Observed: 1 heterozygote.
Comment: The variant c.476T>C (p.(Val159Ala)) in exon 4 of the TUBA1A-gene is not found in the gnomAD database, it affects a highly conserved nucleotide, and a highly conserved amino acid and there is a small physicochemical difference between Val and Ala. ACMG criteria used for classification: PM1_sup, PS2_mod, PM2_sup, PP4, PP2